The following is an entry in ClinVar:

NM_001171.6(ABCC6):c.3149_3160del (p.Lys1050_Asp1053del)

Gene: ABCC6 (ATP binding cassette subfamily C member 6; minus strand). Cytogenetic location: 16p13.11.
Variant type: Deletion.
Coding change: c.3149_3160del on transcript NM_001171.6 (MANE Select); coding-DNA positions 3149 to 3160, 12 bases deleted (AGGAGACAGACA).
Protein change: p.Lys1050_Asp1053del.
Molecular consequence: inframe deletion. On other transcripts: non-coding transcript variant (1).
Genome position (GRCh38, 1-based): chr16:16,165,769-16,165,780, TGTCTGTCTCCT deleted on the plus strand (AGGAGACAGACA on the coding strand, the reverse complement: ABCC6 is on the minus strand); deleting any 12 consecutive bases within chr16:16,165,769-16,165,782 gives the same sequence; the c. name uses the placement nearest the transcript's 3' end. VCF-style (leftmost placement, unchanged base first): chr16-16165768-GTGTCTGTCTCCT-G. GRCh37 (hg19) VCF-style: chr16-16259625-GTGTCTGTCTCCT-G.
Other names: c.2807_2818del, p.Lys936_Asp939del (NM_001351800.1).
Identifiers: ClinVar variation 1478060 (VCV001478060.8), dbSNP rs1235573595, ClinGen allele CA718556509.

ClinVar aggregate classification (germline): Uncertain significance (1 of 4 stars; one submission).

Submission:

Labcorp Genetics (formerly Invitae), Labcorp
Classification: Uncertain significance. Last evaluated: 2022-08-31. Review status: criteria provided, single submitter. Criteria: Invitae Variant Classification Sherloc (09022015). Collection method: clinical testing. Allele origin: germline.
Comment: This variant is not present in population databases (gnomAD no frequency). This variant, c.3149_3160del, results in the deletion of 4 amino acid(s) of the ABCC6 protein (p.Lys1050_Asp1053del), but otherwise preserves the integrity of the reading frame. In summary, the available evidence is currently insufficient to determine the role of this variant in disease. Therefore, it has been classified as a Variant of Uncertain Significance. Algorithms developed to predict the effect of sequence changes on RNA splicing suggest that this variant may disrupt the consensus splice site. Experimental studies and prediction algorithms are not available or were not evaluated, and the functional significance of this variant is currently unknown. ClinVar contains an entry for this variant (Variation ID: 1478060). This variant has not been reported in the literature in individuals affected with ABCC6-related conditions.